The following is an entry in ClinVar:

NM_144672.4(OTOA):c.296G>A (p.Arg99His)

Gene: OTOA (otoancorin). Cytogenetic location: 16p12.2.
Variant type: single nucleotide variant.
Coding change: c.296G>A on transcript NM_144672.4 (MANE Select); coding-DNA position 296, G replaced by A.
Protein change: p.Arg99His; replaces arginine 99 with histidine.
Molecular consequence: missense variant.
Genome position (GRCh38, 1-based): chr16:21,685,258, G>A. VCF-style: chr16-21685258-G-A. GRCh37 (hg19) VCF-style: chr16-21696579-G-A.
Other names: c.59G>A, p.Arg20His (NM_001161683.2); short protein forms R20H, R99H.
Identifiers: ClinVar variation 1707812 (VCV001707812.2), dbSNP rs1489054328, ClinGen allele CA395053306.

ClinVar aggregate classification (germline): Uncertain significance (1 of 4 stars; one submission).

Allele frequency attached by ClinVar (database versions not stated): TOPMed 0.00001.
gnomAD v4.1: 7 of 1,612,614 alleles (0.00043%); highest among the groups gnomAD compares: Non-Finnish European, 0.00059%; no homozygotes.

Submission:

GeneDx
Classification: Uncertain significance. Last evaluated: 2022-04-01. Review status: criteria provided, single submitter. Criteria: GeneDx Variant Classification Process June 2021. Collection method: clinical testing. Allele origin: germline. Affected: yes.
Comment: Not observed at significant frequency in large population cohorts (gnomAD); In silico analysis supports that this missense variant does not alter protein structure/function; Has not been previously published as pathogenic or benign to our knowledge